The following is an entry in ClinVar:

NM_003718.5(CDK13):c.2176G>A (p.Asp726Asn)

Gene: CDK13 (cyclin dependent kinase 13; plus strand). Cytogenetic location: 7p14.1.
Variant type: single nucleotide variant.
Coding change: c.2176G>A on transcript NM_003718.5 (MANE Select); coding-DNA position 2176, G replaced by A.
Protein change: p.Asp726Asn; replaces aspartic acid 726 with asparagine.
Molecular consequence: missense variant.
Genome position (GRCh38, 1-based): chr7:39,999,494, G>A. VCF-style: chr7-39999494-G-A. GRCh37 (hg19) VCF-style: chr7-40039093-G-A.
Other names: c.2176G>A, p.Asp726Asn (NM_031267.4); short protein forms D726N.
Identifiers: ClinVar variation 3646453 (VCV003646453.2).

ClinVar aggregate classification (germline): Uncertain significance (1 of 4 stars; one submission).

Submission:

Labcorp Genetics (formerly Invitae), Labcorp
Classification: Uncertain significance. Last evaluated: 2024-03-17. Review status: criteria provided, single submitter. Criteria: Invitae Variant Classification Sherloc (09022015). Collection method: clinical testing. Allele origin: germline.
Comment: This sequence change replaces aspartic acid, which is acidic and polar, with asparagine, which is neutral and polar, at codon 726 of the CDK13 protein (p.Asp726Asn). This variant is not present in population databases (gnomAD no frequency). This variant has not been reported in the literature in individuals affected with CDK13-related conditions. Advanced modeling of protein sequence and biophysical properties (such as structural, functional, and spatial information, amino acid conservation, physicochemical variation, residue mobility, and thermodynamic stability) performed at Invitae indicates that this missense variant is expected to disrupt CDK13 protein function with a positive predictive value of 80%. In summary, the available evidence is currently insufficient to determine the role of this variant in disease. Therefore, it has been classified as a Variant of Uncertain Significance.